The following is an entry in ClinVar:

ClinVar aggregate classification (germline): Uncertain significance (1 of 4 stars; one submission).

Allele frequency attached by ClinVar (database versions not stated): gnomAD exomes 0.00001; ExAC 0.00001.

Submission:

Labcorp Genetics (formerly Invitae), Labcorp
Classification: Uncertain significance. Last evaluated: 2025-12-20. Review status: criteria provided, single submitter. Criteria: Invitae Variant Classification Sherloc (09022015). Collection method: clinical testing. Allele origin: germline.
Comment: This sequence change replaces glycine, which is neutral and non-polar, with alanine, which is neutral and non-polar, at codon 111 of the POLD2 protein (p.Gly111Ala). This variant is present in population databases (rs771089539, gnomAD 0.0009%). This variant has not been reported in the literature in individuals affected with POLD2-related conditions. ClinVar contains an entry for this variant (Variation ID: 2779134). An algorithm developed to predict the effect of missense changes on protein structure and function outputs the following: PolyPhen-2: "Not Available". The alanine amino acid residue is found in multiple mammalian species, which suggests that this missense change does not adversely affect protein function. In summary, the available evidence is currently insufficient to determine the role of this variant in disease. Therefore, it has been classified as a Variant of Uncertain Significance.

NM_006230.4(POLD2):c.227G>C (p.Gly76Ala)

Gene: POLD2 (DNA polymerase delta 2, accessory subunit; minus strand). Cytogenetic location: 7p13.
Variant type: single nucleotide variant.
Coding change: c.227G>C on transcript NM_006230.4 (MANE Select); coding-DNA position 227, G replaced by C.
Protein change: p.Gly76Ala; replaces glycine 76 with alanine.
Molecular consequence: missense variant.
Genome position (GRCh38, 1-based): chr7:44,118,058, C>G on the plus strand (G>C on the coding strand, the complement: POLD2 is on the minus strand). VCF-style: chr7-44118058-C-G. GRCh37 (hg19) VCF-style: chr7-44157657-C-G.
Other names: c.227G>C, p.Gly76Ala (NM_001127218.3, NM_001256879.2); short protein forms G76A.
Identifiers: ClinVar variation 2779134 (VCV002779134.3), dbSNP rs771089539, ClinGen allele CA4238921.